The following is an entry in ClinVar:

NM_025081.3(NYNRIN):c.2765C>T (p.Ala922Val)

Gene: NYNRIN (NYN domain and retroviral integrase containing; plus strand). Cytogenetic location: 14q12.
Variant type: single nucleotide variant.
Coding change: c.2765C>T on transcript NM_025081.3 (MANE Select); coding-DNA position 2765, C replaced by T.
Protein change: p.Ala922Val; replaces alanine 922 with valine.
Molecular consequence: missense variant.
Genome position (GRCh38, 1-based): chr14:24,413,336, C>T. VCF-style: chr14-24413336-C-T. GRCh37 (hg19) VCF-style: chr14-24882542-C-T.
Other names: short protein forms A922V.
Identifiers: ClinVar variation 4801959 (VCV004801959.1).

ClinVar aggregate classification (germline): Uncertain significance (1 of 4 stars; one submission).

Submission:

Labcorp Genetics (formerly Invitae), Labcorp
Classification: Uncertain significance. Last evaluated: 2025-03-07. Review status: criteria provided, single submitter. Criteria: Invitae Variant Classification Sherloc (09022015). Collection method: clinical testing. Allele origin: germline.
Comment: This sequence change replaces alanine, which is neutral and non-polar, with valine, which is neutral and non-polar, at codon 922 of the NYNRIN protein (p.Ala922Val). This variant is present in population databases (rs372202987, gnomAD 0.002%). This variant has not been reported in the literature in individuals affected with NYNRIN-related conditions. An algorithm developed to predict the effect of missense changes on protein structure and function outputs the following: PolyPhen-2: "Not Available". The valine amino acid residue is found in multiple mammalian species, which suggests that this missense change does not adversely affect protein function. In summary, the available evidence is currently insufficient to determine the role of this variant in disease. Therefore, it has been classified as a Variant of Uncertain Significance.